The following is an entry in ClinVar:

NM_138694.4(PKHD1):c.8409C>A (p.Cys2803Ter)

Gene: PKHD1 (PKHD1 ciliary IPT domain containing fibrocystin/polyductin; minus strand). Cytogenetic location: 6p12.3.
Variant type: single nucleotide variant.
Coding change: c.8409C>A on transcript NM_138694.4 (MANE Select); coding-DNA position 8409, C replaced by A.
Protein change: p.Cys2803Ter; replaces cysteine 2803 with a stop codon.
Molecular consequence: nonsense.
Genome position (GRCh38, 1-based): chr6:51,791,267, G>T on the plus strand (C>A on the coding strand, the complement: PKHD1 is on the minus strand). VCF-style: chr6-51791267-G-T. GRCh37 (hg19) VCF-style: chr6-51656065-G-T.
Other names: c.8409C>A, p.Cys2803Ter (NM_170724.3); short protein forms C2803*.
Identifiers: ClinVar variation 2734900 (VCV002734900.5), dbSNP rs1036002703, ClinGen allele CA364441371.

ClinVar aggregate classification (germline): Pathogenic. Review status: criteria provided, multiple submitters, no conflicts (2 of 4 stars). 3 submissions from 3 submitters: Pathogenic (3). Last evaluated 2025-10-14.

Conditions:
Autosomal recessive polycystic kidney disease (ARPKD). Also called: AR polycystic kidney disease. Identifiers: Orphanet 731, Orphanet 8378, MedGen C0085548, MeSH D017044, MONDO:0009889.
Polycystic kidney disease 4 (PKD4). Also called: POLYCYSTIC KIDNEY AND HEPATIC DISEASE 1; POLYCYSTIC KIDNEY DISEASE, INFANTILE, TYPE I; PKD3; POLYCYSTIC KIDNEY DISEASE 4 WITH OR WITHOUT POLYCYSTIC LIVER DISEASE; Autosomal Recessive Polycystic Kidney Disease – PKHD1. Identifiers: MedGen C4540575, MONDO:0033004, OMIM 263200.

Allele frequency attached by ClinVar (database versions not stated): gnomAD exomes below 0.00001.
gnomAD v4.1: 3 of 1,613,908 alleles (0.00019%); highest among the groups gnomAD compares: Non-Finnish European, 0.00017%; no homozygotes.

Submissions (3):

Victorian Clinical Genetics Services, Murdoch Childrens Research Institute
Classification: Pathogenic for Polycystic kidney disease 4. Last evaluated: 2025-10-14. Review status: criteria provided, single submitter. Criteria: ACMG Guidelines, 2015. Collection method: clinical testing. Allele origin: germline. Affected: yes.
Comment: This variant is classified as Pathogenic. Evidence in support of pathogenic classification: Variant is predicted to cause nonsense-mediated decay (NMD) and loss of protein (premature termination codon is located at least 54 nucleotides upstream of the final exon-exon junction); Variant is present in gnomAD <0.01 for a recessive condition (v4: 3 heterozygote(s), 0 homozygote(s)); Other NMD-predicted variant(s) comparable to the one identified in this case have very strong previous evidence for pathogenicity (DECIPHER). Additional information: This variant is heterozygous; This gene is associated with autosomal recessive disease; however, there are emerging reports of heterozygous carriers of PKHD1 variants developing liver cysts and nephrocalcinosis (PMID: 21945273, 36691356); Loss of function is a known mechanism of disease in this gene and is associated with polycystic kidney disease 4, with or without hepatic disease (MIM#263200); Variants in this gene are known to have variable expressivity. Significant intrafamilial variability has been reported (PMID: 20301501); Inheritance information for this variant is not currently available in this individual.

Myriad Genetics, Inc.
Classification: Pathogenic for Polycystic kidney disease 4. Last evaluated: 2025-05-17. Review status: criteria provided, single submitter. Criteria: Myriad Autosomal Dominant, Autosomal Recessive and X-Linked Classification Criteria (2023). Collection method: clinical testing. Allele origin: unknown.
Comment: NM_138694.3(PKHD1):c.8409C>A(C2803*) is expected to be pathogenic in the context of autosomal recessive polycystic kidney disease, PKHD1-related. This variant is predicted to lead to an abnormal or absent protein product due to the creation of a premature termination codon in PKHD1, a gene where loss-of-function variants are known to be pathogenic. Please note: this variant was assessed in the context of healthy population screening.

Labcorp Genetics (formerly Invitae), Labcorp
Classification: Pathogenic for Autosomal recessive polycystic kidney disease. Last evaluated: 2023-04-26. Review status: criteria provided, single submitter. Criteria: Invitae Variant Classification Sherloc (09022015). Collection method: clinical testing. Allele origin: germline.
Comment: This variant is not present in population databases (gnomAD no frequency). This sequence change creates a premature translational stop signal (p.Cys2803*) in the PKHD1 gene. It is expected to result in an absent or disrupted protein product. Loss-of-function variants in PKHD1 are known to be pathogenic (PMID: 19940839). This premature translational stop signal has been observed in individual(s) with polycystic kidney disease (PMID: 26673778). For these reasons, this variant has been classified as Pathogenic.

Literature cited by the submitters: PubMed 20301501 (cited by Victorian Clinical Genetics Services, Murdoch Childrens Research Institute); PubMed 36691356 (cited by Victorian Clinical Genetics Services, Murdoch Childrens Research Institute); PubMed 21945273 (cited by Victorian Clinical Genetics Services, Murdoch Childrens Research Institute); PubMed 19940839 (cited by Labcorp Genetics (formerly Invitae), Labcorp); PubMed 26673778 (cited by Labcorp Genetics (formerly Invitae), Labcorp).